The following is an entry in ClinVar:

ClinVar aggregate classification (germline): Uncertain significance (1 of 4 stars; one submission).

Allele frequency attached by ClinVar (database versions not stated): gnomAD 0.00001 and 0.00002; TOPMed 0.00001; ExAC 0.00002; gnomAD exomes 0.00002.
gnomAD v4.1: 16 of 1,613,876 alleles (0.00099%); highest among the groups gnomAD compares: South Asian, 0.011%; 1 homozygote.

Submission:

Labcorp Genetics (formerly Invitae), Labcorp
Classification: Uncertain significance. Last evaluated: 2021-08-17. Review status: criteria provided, single submitter. Criteria: Invitae Variant Classification Sherloc (09022015). Collection method: clinical testing. Allele origin: germline.
Comment: In summary, the available evidence is currently insufficient to determine the role of this variant in disease. Therefore, it has been classified as a Variant of Uncertain Significance. This sequence change replaces alanine with valine at codon 1014 of the VCAN protein (p.Ala1014Val). The alanine residue is highly conserved and there is a small physicochemical difference between alanine and valine. This variant is present in population databases (rs754448977, ExAC 0.009%). This variant has not been reported in the literature in individuals with VCAN-related conditions. Algorithms developed to predict the effect of missense changes on protein structure and function output the following: SIFT: "Tolerated"; PolyPhen-2: "Benign"; Align-GVGD: "Class C0". The valine amino acid residue is found in multiple mammalian species, suggesting that this missense change does not adversely affect protein function. These predictions have not been confirmed by published functional studies and their clinical significance is uncertain. Algorithms developed to predict the effect of sequence changes on RNA splicing suggest that this variant may create or strengthen a splice site, but this prediction has not been confirmed by published transcriptional studies.

NM_004385.5(VCAN):c.3041C>T (p.Ala1014Val)

Gene: VCAN (versican; plus strand). Cytogenetic location: 5q14.3.
Variant type: single nucleotide variant.
Coding change: c.3041C>T on transcript NM_004385.5 (MANE Select); coding-DNA position 3041, C replaced by T.
Protein change: p.Ala1014Val; replaces alanine 1014 with valine.
Molecular consequence: missense variant. On other transcripts: intron variant (2).
Genome position (GRCh38, 1-based): chr5:83,521,347, C>T. VCF-style: chr5-83521347-C-T. GRCh37 (hg19) VCF-style: chr5-82817166-C-T.
Other names: c.3041C>T, p.Ala1014Val (NM_001164098.2); c.1042+8951C>T (NM_001164097.2, NM_001126336.3); short protein forms A1014V.
Identifiers: ClinVar variation 845752 (VCV000845752.7), dbSNP rs754448977, ClinGen allele CA3332942.
Genomic context (GRCh38, chr5:83,521,347, plus strand): 5'-ATGAAGTTCTAGGTGAACCCTCTCAAGACATACTTGTCATTGATCAGACTCGCCTTGAAG[C>T]GACTATTTCTCCAGAAACTATGAGAACAACAAAAATCACAGAGGGAACAACTCAGGAAGA-3'
Protein context (NP_004376.2, residues 1004-1024): ILVIDQTRLE[Ala1014Val]TISPETMRTT